The following is an entry in ClinVar:

Conditions:
Long QT syndrome 5 (LQT5). Identifiers: Orphanet 101016, Orphanet 768, MedGen C1867904, MONDO:0013372, OMIM 613695.

Submission:

Roden Lab, Vanderbilt University Medical Center
No classification provided (evidence only). Condition: Long QT syndrome 5. Review status: no classification provided. Collection method: in vitro. Allele origin: not applicable. Functional consequence: Effect on ion channel function.
ClinVar note: "not provided" was previously submitted as the classification for the variant. However, the classification appeared to be based only on an observation of functional data so it was converted to no classification on 2025-07-30.

NM_000219.6(KCNE1):c.280T>A (p.Tyr94Asn)

Gene: KCNE1 (potassium voltage-gated channel subfamily E regulatory subunit 1; minus strand). Cytogenetic location: 21q22.12.
Variant type: single nucleotide variant.
Coding change: c.280T>A on transcript NM_000219.6 (MANE Select); coding-DNA position 280, T replaced by A.
Protein change: p.Tyr94Asn; replaces tyrosine 94 with asparagine.
Molecular consequence: missense variant.
Genome position (GRCh38, 1-based): chr21:34,449,355, A>T on the plus strand (T>A on the coding strand, the complement: KCNE1 is on the minus strand). VCF-style: chr21-34449355-A-T. GRCh37 (hg19) VCF-style: chr21-35821653-A-T.
Other names: c.280T>A, p.Tyr94Asn (NM_001127668.4, NM_001127669.4, NM_001127670.4 and 4 more transcripts); short protein forms Y94N.
Identifiers: ClinVar variation 3374519 (VCV003374519.2).
Genomic context (GRCh38, chr21:34,449,355, plus strand): 5'-CCAGATGGTTTTCAACGACATAGCACGACCTGTAGCTCTCCAGGACCCGGGCCTGGACAT[A>T]GGCCTTGTCCTTCTCTTGCCAGGCATCGGACTCGATGTAGACGTTGAATGGGTCGTTCGA-3'
Protein context (NP_000210.2, residues 84-104): SDAWQEKDKA[Tyr94Asn]VQARVLESYR